The following is an entry in ClinVar:

ClinVar aggregate classification (germline): Likely pathogenic (1 of 4 stars; one submission).

Conditions:
Intellectual disability, X-linked 102 (MRXSSB). Also called: Intellectual developmental disorder, X-linked syndromic, Snijders Blok type. Identifiers: Orphanet 457260, MedGen C5393299, MONDO:0010497, OMIM 300958.

Submission:

Illumina Laboratory Services, Illumina
Classification: Likely pathogenic for Intellectual disability, X-linked 102. Last evaluated: 2018-09-26. Review status: criteria provided, single submitter. Criteria: ICSLVariantClassificationCriteria RUGD 01 April 2020. Collection method: clinical testing. Allele origin: unknown.
Comment: The DDX3X c.1461C>G p.(Phe487Leu) variant is a missense variant which, to our knowledge, has not been reported in the peer-reviewed literature. This variant is not observed in version 2.1.1 or version 4.0.0 of the Genome Aggregation Database. The Phe487 residue is located in the helicase domain, a domain that is enriched for mutations (Lennox et al. 2018). Based on the available evidence, the c.1461C>G p.(Phe487Leu) variant is classified as likely pathogenic for intellectual developmental disorder, X-linked syndromic, Snijders Blok type.

NM_001356.5(DDX3X):c.1461C>G (p.Phe487Leu)

Gene: DDX3X (DEAD-box helicase 3 X-linked; plus strand). Cytogenetic location: Xp11.4.
Variant type: single nucleotide variant.
Coding change: c.1461C>G on transcript NM_001356.5 (MANE Select); coding-DNA position 1461, C replaced by G.
Protein change: p.Phe487Leu; replaces phenylalanine 487 with leucine.
Molecular consequence: missense variant. On other transcripts: non-coding transcript variant (1).
Genome position (GRCh38, 1-based): chrX:41,346,374, C>G. VCF-style: chrX-41346374-C-G. GRCh37 (hg19) VCF-style: chrX-41205627-C-G.
Other names: c.1461C>G, p.Phe487Leu (NM_001193416.3); c.1413C>G, p.Phe471Leu (NM_001193417.3); c.903C>G, p.Phe301Leu (NM_001363819.1); short protein forms F301L, F471L, F487L.
Identifiers: ClinVar variation 3062097 (VCV003062097.1), dbSNP rs2519523399, ClinGen allele CA412775692.